The following is an entry in ClinVar:

ClinVar aggregate classification (germline): Pathogenic (1 of 4 stars; one submission).

Conditions:
Osteogenesis imperfecta type I (OI1). Also called: OI, TYPE I; OSTEOGENESIS IMPERFECTA TARDA; OSTEOGENESIS IMPERFECTA WITH BLUE SCLERAE; Osteogenesis imperfecta type 1; Lobstein's Disease; Lobstein disease. Identifiers: Orphanet 216796, Orphanet 666, MedGen C0023931, MONDO:0008146, OMIM 166200. Disease mechanism: loss of function.

Submission:

Laboratory of Genetic Skeletal Anomaly, Seoul National University Children's Hospital
Classification: Pathogenic for Osteogenesis imperfecta type I. Last evaluated: 2025-03-01. Review status: criteria provided, single submitter. Criteria: ACMG Guidelines, 2015. Collection method: research. Allele origin: germline. Affected: yes.
Comment: This variant is a novel variant not previously reported in the literature or population databases. It was classified based on available in silico predictions and absence from gnomAD.

NM_000088.4(COL1A1):c.2783dup (p.Gly929fs)

Gene: COL1A1 (collagen type I alpha 1 chain; minus strand). Cytogenetic location: 17q21.33.
Variant type: Duplication.
Coding change: c.2783dup on transcript NM_000088.4 (MANE Select); coding-DNA position 2783, one base duplicated (C; older notation c.2783dupC).
Protein change: p.Gly929fs; shifts the reading frame from glycine 929.
Molecular consequence: frameshift variant.
Genome position (GRCh38, 1-based): chr17:50,189,423, G duplicated on the plus strand (C on the coding strand, the reverse complement: COL1A1 is on the minus strand); the first of 5 consecutive G bases (chr17:50,189,423-50,189,427); duplicating any one gives the same sequence. VCF-style (leftmost placement, unchanged base first): chr17-50189422-A-AG. GRCh37 (hg19) VCF-style: chr17-48266783-A-AG.
Other names: c.2783dupC (NM_000088.4); short protein forms G929fs.
Identifiers: ClinVar variation 4280700 (VCV004280700.1).